The following is an entry in ClinVar:

NM_000382.3(ALDH3A2):c.399_400insTTTT (p.Ile134fs)

Gene: ALDH3A2 (aldehyde dehydrogenase 3 family member A2; plus strand). Cytogenetic location: 17p11.2.
Variant type: Insertion.
Coding change: c.399_400insTTTT on transcript NM_000382.3 (MANE Select); coding-DNA positions 399 to 400, TTTT inserted.
Protein change: p.Ile134fs; shifts the reading frame from isoleucine 134.
Molecular consequence: frameshift variant. On other transcripts: 5 prime UTR variant (1).
Genome position: GRCh38 VCF-style: chr17-19652558-A-ATTTT. GRCh37 (hg19) VCF-style: chr17-19555871-A-ATTTT.
Other names: c.399_400insTTTT, p.Ile134fs (NM_001031806.2, NM_001369136.1, NM_001369137.2 and 3 more transcripts); c.-290_-289insTTTT (NM_001369148.2); short protein forms I134fs.
Identifiers: ClinVar variation 2702733 (VCV002702733.3), dbSNP rs2544360182, ClinGen allele CA2697559519.
Genomic context (GRCh38, chr17:19,652,558, plus strand): 5'-ATTAAAGTTAAATATTAGATGATACTGTTCTACTTTTTACTTTATTTAGGAAATGCTGTG[A>ATTTT]TTATAAAGCCTTCTGAACTGAGTGAAAATACAGCCAAGATCTTGGCAAAGCTTCTCCCTC-3'

ClinVar aggregate classification (germline): Pathogenic (1 of 4 stars; one submission).

Submission:

Labcorp Genetics (formerly Invitae), Labcorp
Classification: Pathogenic. Last evaluated: 2023-12-13. Review status: criteria provided, single submitter. Criteria: Invitae Variant Classification Sherloc (09022015). Collection method: clinical testing. Allele origin: germline.
Comment: This sequence change creates a premature translational stop signal (p.Ile134Phefs*6) in the ALDH3A2 gene. It is expected to result in an absent or disrupted protein product. Loss-of-function variants in ALDH3A2 are known to be pathogenic (PMID: 10577908, 10854114). This variant is not present in population databases (gnomAD no frequency). This variant has not been reported in the literature in individuals affected with ALDH3A2-related conditions. For these reasons, this variant has been classified as Pathogenic.

Literature cited by the submitters: PubMed 10577908; PubMed 10854114.